The following is an entry in ClinVar:

NM_033641.4(COL4A6):c.1308A>C (p.Pro436=)

Gene: COL4A6 (collagen type IV alpha 6 chain; minus strand). Cytogenetic location: Xq22.3.
Variant type: single nucleotide variant.
Coding change: c.1308A>C on transcript NM_033641.4 (MANE Select); coding-DNA position 1308, A replaced by C.
Protein change: p.Pro436=; no amino-acid change (proline 436 retained).
Molecular consequence: synonymous variant.
Genome position (GRCh38, 1-based): chrX:108,191,406, T>G on the plus strand (A>C on the coding strand, the complement: COL4A6 is on the minus strand). VCF-style: chrX-108191406-T-G. GRCh37 (hg19) VCF-style: chrX-107434636-T-G.
Other names: c.1308A>C, p.Pro436= (NM_001287758.2, NM_001287759.2, NM_001287760.2); c.1311A>C, p.Pro437= (NM_001847.4).
Identifiers: ClinVar variation 3035687 (VCV003035687.2), dbSNP rs865851476, ClinGen allele CA334054380.
Genomic context (GRCh38, chrX:108,191,406, plus strand): 5'-GGATCACATCTGAATCTTGAGACCAAAAAGAGAAATGAGTAACTTACTAGGTGGGCCTGG[T>G]GGACCTGGTGGGCCTGGCAAACCATCTCTGCCAGGGAGGCCAGCTGCTCCAATTGTGGTA-3'
Protein context (NP_378667.1, residues 426-446): GRDGLPGPPG[Pro436=]PGPPSPEFET

ClinVar aggregate classification (germline): Likely benign (0 of 4 stars; one submission).

Conditions:
COL4A6-related disorder. Also called: COL4A6-related condition.

Allele frequency attached by ClinVar (database versions not stated): gnomAD exomes 0.00002.
gnomAD v4.1: 20 of 1,210,145 alleles (0.0017%); highest among the groups gnomAD compares: Middle Eastern, 0.21%; no homozygotes.

Submission:

PreventionGenetics, part of Exact Sciences
Classification: Likely benign for COL4A6-related condition. Last evaluated: 2024-07-15. Review status: no assertion criteria provided. Collection method: clinical testing. Allele origin: germline.
Comment: This variant is classified as likely benign based on ACMG/AMP sequence variant interpretation guidelines (Richards et al. 2015 PMID: 25741868, with internal and published modifications).